The following is an entry in ClinVar:

NM_138352.3(SAMD1):c.128G>A (p.Arg43His)

Genes: SAMD1 (sterile alpha motif domain containing 1; minus strand), LOC130063760 (ATAC-STARR-seq lymphoblastoid silent region 10229; plus strand). Cytogenetic location: 19p13.12.
Variant type: single nucleotide variant.
Coding change: c.128G>A on transcript NM_138352.3 (MANE Select); coding-DNA position 128, G replaced by A.
Protein change: p.Arg43His; replaces arginine 43 with histidine.
Molecular consequence: missense variant.
Genome position (GRCh38, 1-based): chr19:14,090,293, C>T on the plus strand (G>A on the coding strand, the complement: SAMD1 is on the minus strand). VCF-style: chr19-14090293-C-T. GRCh37 (hg19) VCF-style: chr19-14201105-C-T.
Other names: short protein forms R43H.
Identifiers: ClinVar variation 3949361 (VCV003949361.1).

ClinVar aggregate classification (germline): Uncertain significance (1 of 4 stars; one submission).

Submission:

Ambry Genetics
Classification: Uncertain significance. Last evaluated: 2025-04-15. Review status: criteria provided, single submitter. Criteria: Ambry Variant Classification Scheme 2023. Collection method: clinical testing. Allele origin: germline.
Comment: The c.128G>A (p.R43H) alteration is located in exon (coding exon ) of the SAMD1 gene. This alteration results from a G to A substitution at nucleotide position 128, causing the arginine (R) at amino acid position 43 to be replaced by a histidine (H). Based on insufficient or conflicting evidence, the clinical significance of this alteration remains unclear.